The following is an entry in ClinVar:

ClinVar aggregate classification (germline): Likely pathogenic (1 of 4 stars; one submission).

Conditions:
Megacystis-microcolon-intestinal hypoperistalsis syndrome 2. Identifiers: MedGen C5543476, MONDO:0025708, OMIM 619351.

Submission:

First Genomix Gene Laboratory, Genetic Diagnostics Department
Classification: Likely pathogenic for Megacystis-microcolon-intestinal hypoperistalsis syndrome 2. Last evaluated: 2025-09-16. Review status: criteria provided, single submitter. Criteria: ACMG Guidelines, 2015. Collection method: clinical testing. Allele origin: germline. Inheritance: Autosomal recessive inheritance. Affected: no. Observed: 1 variant allele.

NM_002474.3(MYH11):c.5614-1G>A

Genes: MYH11 (myosin heavy chain 11; minus strand), NDE1 (nudE neurodevelopment protein 1; plus strand). Cytogenetic location: 16p13.11.
Variant type: single nucleotide variant.
Coding change: c.5614-1G>A on transcript NM_002474.3 (MANE Select); the canonical splice acceptor site of the intron before coding-DNA position 5614, G replaced by A.
Molecular consequence: splice acceptor variant. On other transcripts: intron variant (2).
Genome position (GRCh38, 1-based): chr16:15,715,082, C>T on the plus strand (G>A on the coding strand, the complement: MYH11 is on the minus strand). VCF-style: chr16-15715082-C-T. GRCh37 (hg19) VCF-style: chr16-15808939-C-T.
Other names: c.948-9109C>T (NM_001143979.2, NM_017668.3); c.5614-1G>A (NM_022844.3); c.5635-1G>A (NM_001040114.2, NM_001040113.2).
Identifiers: ClinVar variation 4850255 (VCV004850255.1).